The following is an entry in ClinVar:

ClinVar aggregate classification (germline): Uncertain significance (1 of 4 stars; one submission).

Conditions:
Familial Mediterranean fever (FMF). Also called: Periodic peritonitis; Benign paroxysmal peritonitis; POLYSEROSITIS, FAMILIAL PAROXYSMAL; POLYSEROSITIS, RECURRENT. Identifiers: Orphanet 342, MedGen C0031069, MONDO:0018088, OMIM 249100. Disease mechanism: gain of function.

Allele frequency attached by ClinVar (database versions not stated): gnomAD exomes below 0.00001.
gnomAD v4.1: 2 of 1,612,166 alleles (0.00012%); highest among the groups gnomAD compares: Non-Finnish European, 0.00017%; no homozygotes.

Submission:

Labcorp Genetics (formerly Invitae), Labcorp
Classification: Uncertain significance for Familial Mediterranean fever. Last evaluated: 2021-08-30. Review status: criteria provided, single submitter. Criteria: Invitae Variant Classification Sherloc (09022015). Collection method: clinical testing. Allele origin: germline.
Comment: This sequence change replaces glycine with aspartic acid at codon 131 of the MEFV protein (p.Gly131Asp). The glycine residue is weakly conserved and there is a moderate physicochemical difference between glycine and aspartic acid. This variant is not present in population databases (ExAC no frequency). This variant has not been reported in the literature in individuals affected with MEFV-related conditions. Algorithms developed to predict the effect of missense changes on protein structure and function (SIFT, PolyPhen-2, Align-GVGD) all suggest that this variant is likely to be tolerated. In summary, the available evidence is currently insufficient to determine the role of this variant in disease. Therefore, it has been classified as a Variant of Uncertain Significance.

NM_000243.3(MEFV):c.392G>A (p.Gly131Asp)

Gene: MEFV (MEFV innate immunity regulator, pyrin; minus strand). Cytogenetic location: 16p13.3.
Variant type: single nucleotide variant.
Coding change: c.392G>A on transcript NM_000243.3 (MANE Select); coding-DNA position 392, G replaced by A.
Protein change: p.Gly131Asp; replaces glycine 131 with aspartic acid.
Molecular consequence: missense variant. On other transcripts: intron variant (1).
Genome position (GRCh38, 1-based): chr16:3,254,676, C>T on the plus strand (G>A on the coding strand, the complement: MEFV is on the minus strand). VCF-style: chr16-3254676-C-T. GRCh37 (hg19) VCF-style: chr16-3304676-C-T.
Other names: c.277+1635G>A (NM_001198536.2); short protein forms G131D.
Identifiers: ClinVar variation 1438691 (VCV001438691.5), dbSNP rs1959090165, ClinGen allele CA394481826.